The following is an entry in ClinVar:

NM_002599.5(PDE2A):c.614C>T (p.Ala205Val)

Gene: PDE2A (phosphodiesterase 2A; minus strand). Cytogenetic location: 11q13.4.
Variant type: single nucleotide variant.
Coding change: c.614C>T on transcript NM_002599.5 (MANE Select); coding-DNA position 614, C replaced by T.
Protein change: p.Ala205Val; replaces alanine 205 with valine.
Molecular consequence: missense variant.
Genome position (GRCh38, 1-based): chr11:72,590,516, G>A on the plus strand (C>T on the coding strand, the complement: PDE2A is on the minus strand). VCF-style: chr11-72590516-G-A. GRCh37 (hg19) VCF-style: chr11-72301560-G-A.
Other names: p.Ala184Val; c.593C>T, p.Ala198Val (NM_001143839.4); c.587C>T, p.Ala196Val (NM_001146209.3); c.551C>T, p.Ala184Val (NM_001243784.2); c.551C>T (NM_001243784.1); short protein forms A184V, A196V, A198V, A205V.
Identifiers: ClinVar variation 2268434 (VCV002268434.4), dbSNP rs1335297708, ClinGen allele CA381766267.
Genomic context (GRCh38, chr11:72,590,516, plus strand): 5'-TCGGTGTACGCCGCCCCGCCCTTCTGGTCTTCCGCCGTCCCCTCCGGGGGGTTCTGGACG[G>A]CTCGGGGAGCCTCCCTGGGCCCGCGCTGCTGCAGGACCTGCACCCTCCGCAGGGCGACCA-3'
Protein context (NP_002590.1, residues 195-215): QQRGPREAPR[Ala205Val]VQNPPEGTAE

ClinVar aggregate classification (germline): Uncertain significance. Review status: criteria provided, multiple submitters, no conflicts (2 of 4 stars). 2 submissions from 2 submitters: Uncertain significance (2). Last evaluated 2023-11-22.

Conditions:
Inborn genetic diseases. Identifiers: MedGen C0950123, MeSH D030342.
Intellectual developmental disorder with paroxysmal dyskinesia or seizures. Identifiers: MedGen C5436894, MONDO:0030900, OMIM 619150.

Allele frequency attached by ClinVar (database versions not stated): TOPMed below 0.00001.
gnomAD v4.1: 5 of 1,470,884 alleles (0.00034%); highest among the groups gnomAD compares: Middle Eastern, 0.018%; no homozygotes.

Submissions (2):

Foundation for Research in Genetics and Endocrinology, FRIGE's Institute of Human Genetics
Classification: Uncertain significance for Intellectual developmental disorder with paroxysmal dyskinesia or seizures. Last evaluated: 2023-11-22. Review status: criteria provided, single submitter. Criteria: ACMG Guidelines, 2015. Collection method: clinical testing. Allele origin: germline. Inheritance: Autosomal recessive inheritance. Affected: yes. Observed: 1 compound heterozygote.
Comment: A likely compound heterozygous missense variant in exon 8 of the PDE2A gene that results in the amino acid substitution of Valine for Alanine at codon 184 (p.Ala184Val) was detected. This variant has not been reported in the 1000 genomes, gnomAD (v3.1), and gnomAD (v2.1) databases and has a minor allele frequency of 0.0003% in the topmed database. The in silico predictions of the variant are benign by PolyPhen-2 (HumDiv) and MutationTaster2. The reference codon is conserved across mammals. In summary, the variant meets our criteria to be classified as variant of uncertain significance.

Ambry Genetics
Classification: Uncertain significance for Inborn genetic diseases. Last evaluated: 2021-12-20. Review status: criteria provided, single submitter. Criteria: Ambry Variant Classification Scheme 2023. Collection method: clinical testing. Allele origin: germline.